The following is an entry in ClinVar:

NM_000548.5(TSC2):c.3883+66G>A

Gene: TSC2 (TSC complex subunit 2; plus strand). Cytogenetic location: 16p13.3.
Variant type: single nucleotide variant.
Coding change: c.3883+66G>A on transcript NM_000548.5 (MANE Select); 66 bases into the intron after coding-DNA position 3883, G replaced by A.
Molecular consequence: intron variant.
Genome position (GRCh38, 1-based): chr16:2,082,570, G>A. VCF-style: chr16-2082570-G-A. GRCh37 (hg19) VCF-style: chr16-2132571-G-A.
Other names: c.3814+772G>A (NM_001114382.3); c.3754+66G>A (NM_021055.3, NM_001370405.1); c.3685+772G>A (NM_001363528.2); c.3751+66G>A (NM_001370404.1); c.3682+772G>A (NM_001077183.3); c.3574+772G>A (NM_001318827.2); c.3151+66G>A (NM_001318831.2); c.3538+772G>A (NM_001318829.2); and 1 more.
Identifiers: ClinVar variation 670878 (VCV000670878.1), dbSNP rs74002774, ClinGen allele CA276750968.
Genomic context (GRCh38, chr16:2,082,570, plus strand): 5'-GCCTCTCAGAGGGAAGCGGTTGGCTGCAGAGCGCCACTCTGCCTCATAGGTGCTGTGCTC[G>A]TCGCCTCATCCGCCCACCCCCATGGTCCGTCTGCCTCCATTGCCCTGGGGAGCAGGTCCC-3'

ClinVar aggregate classification (germline): Likely benign (1 of 4 stars; one submission).

Allele frequency attached by ClinVar (database versions not stated): ESP Exome Variant Server 0.01052; 1000 Genomes Project 0.01138; gnomAD 0.01139 and 0.01226; 1000 Genomes Project 30x 0.01249; TOPMed 0.01261.
gnomAD v4.1: 3,401 of 1,570,194 alleles (0.22%); highest among the groups gnomAD compares: African/African-American, 4%; 54 homozygotes.

Submission:

GeneDx
Classification: Likely benign. Last evaluated: 2018-06-14. Review status: criteria provided, single submitter. Criteria: GeneDx Variant Classification (06012015). Collection method: clinical testing. Allele origin: germline. Affected: yes.
Comment: This variant is considered likely benign or benign based on one or more of the following criteria: it is a conservative change, it occurs at a poorly conserved position in the protein, it is predicted to be benign by multiple in silico algorithms, and/or has population frequency not consistent with disease.